The following is an entry in ClinVar:

ClinVar aggregate classification (germline): Uncertain significance (1 of 4 stars; one submission).

gnomAD v4.1: 10 of 1,614,028 alleles (0.00062%); highest among the groups gnomAD compares: Middle Eastern, 0.016%; no homozygotes.

Submission:

Labcorp Genetics (formerly Invitae), Labcorp
Classification: Uncertain significance. Last evaluated: 2025-10-29. Review status: criteria provided, single submitter. Criteria: Invitae Variant Classification Sherloc (09022015). Collection method: clinical testing. Allele origin: germline.
Comment: This sequence change replaces valine, which is neutral and non-polar, with alanine, which is neutral and non-polar, at codon 867 of the ERBIN protein (p.Val867Ala). The frequency data for this variant in the population databases is considered unreliable, as metrics indicate poor data quality at this position in the gnomAD database. This variant has not been reported in the literature in individuals affected with ERBIN-related conditions. An algorithm developed to predict the effect of missense changes on protein structure and function (PolyPhen-2) suggests that this variant is likely to be disruptive. In summary, the available evidence is currently insufficient to determine the role of this variant in disease. Therefore, it has been classified as a Variant of Uncertain Significance.

NM_001253697.2(ERBIN):c.2600T>C (p.Val867Ala)

Gene: ERBIN (erbb2 interacting protein; plus strand). Cytogenetic location: 5q12.3.
Variant type: single nucleotide variant.
Coding change: c.2600T>C on transcript NM_001253697.2 (MANE Select); coding-DNA position 2600, T replaced by C.
Protein change: p.Val867Ala; replaces valine 867 with alanine.
Molecular consequence: missense variant.
Genome position (GRCh38, 1-based): chr5:66,053,918, T>C. VCF-style: chr5-66053918-T-C. GRCh37 (hg19) VCF-style: chr5-65349746-T-C.
Other names: c.2600T>C, p.Val867Ala (NM_001006600.3, NM_001253698.2, NM_001253699.2 and 1 more transcripts); c.2588T>C, p.Val863Ala (NM_001253701.2); short protein forms V863A, V867A.
Identifiers: ClinVar variation 4752197 (VCV004752197.1).